The following is an entry in ClinVar:

NM_194248.3(OTOF):c.5714G>A (p.Gly1905Asp)

Gene: OTOF (otoferlin; minus strand). Cytogenetic location: 2p23.3.
Variant type: single nucleotide variant.
Coding change: c.5714G>A on transcript NM_194248.3 (MANE Select); coding-DNA position 5714, G replaced by A.
Protein change: p.Gly1905Asp; replaces glycine 1905 with aspartic acid.
Molecular consequence: missense variant.
Genome position (GRCh38, 1-based): chr2:26,460,746, C>T on the plus strand (G>A on the coding strand, the complement: OTOF is on the minus strand). VCF-style: chr2-26460746-C-T. GRCh37 (hg19) VCF-style: chr2-26683614-C-T.
Other names: c.5714G>A, p.Gly1905Asp (NM_001287489.2); c.3413G>A, p.Gly1138Asp (NM_004802.4, NM_194323.3); c.3644G>A, p.Gly1215Asp (NM_194322.3); short protein forms G1138D, G1905D, G1215D.
Identifiers: ClinVar variation 2445635 (VCV002445635.1), dbSNP rs1558464965, ClinGen allele CA346129031.

ClinVar aggregate classification (germline): Likely pathogenic (1 of 4 stars; one submission).

Conditions:
Tricho-oculo-dermo-vertebral syndrome. Also called: ALVES SYNDROME; TODV SYNDROME; TRICHOOCULODERMOVERTEBRAL SYNDROME; Arthrogryposis and ectodermal dysplasia. Identifiers: Orphanet 3354, MedGen C1866427, MONDO:0011131, OMIM 601701.

gnomAD v4.1: 1 of 1,613,992 alleles (0.000062%); highest among the groups gnomAD compares: Non-Finnish European, 0.000085%; no homozygotes.

Submission:

King Laboratory, University of Washington
Classification: Likely pathogenic for Tricho-oculo-dermo-vertebral syndrome. Last evaluated: 2023-02-28. Review status: criteria provided, single submitter. Criteria: Li et al. (Genet Med. 2022). Collection method: research. Allele origin: unknown. Affected: yes.
Comment: This variant is a missense variant within the C2 5 domain of the otoferlin protein, and multiple in silico tools predict a damaging effect. As of January 2023, this variant has not been reported to ClinVar and is not found on gnomAD. However, another missense variant at the same chromosomal location, OTOF c.G3644T p.G1215V, has been described before in individuals with hearing loss (DFNB9) and is classified as pathogenic/likely pathogenic. Based on shared location with another pathogenic variant, consistently predicted functional effect, and goodness of fit of genotype to phenotype, we conclude that this variant is likely pathogenic.

Literature cited by the submitters: PubMed 36633841.